The following is an entry in ClinVar:

ClinVar aggregate classification (germline): Uncertain significance (1 of 4 stars; one submission).

Conditions:
Neurofibromatosis, type 1 (NF1). Also called: VON RECKLINGHAUSEN DISEASE; NEUROFIBROMATOSIS, TYPE I, SOMATIC; Peripheral type neurofibromatosis; Neurofibromatosis, type I. Identifiers: Orphanet 636, MedGen C0027831, MONDO:0018975, OMIM 162200. Disease mechanism: loss of function.

Submission:

Labcorp Genetics (formerly Invitae), Labcorp
Classification: Uncertain significance for Neurofibromatosis, type 1. Last evaluated: 2017-07-01. Review status: criteria provided, single submitter. Criteria: Invitae Variant Classification Sherloc (09022015). Collection method: clinical testing. Allele origin: germline.
Comment: In summary, the available evidence is currently insufficient to determine the role of this variant in disease. Therefore, it has been classified as a Variant of Uncertain Significance. Algorithms developed to predict the effect of sequence changes on RNA splicing suggest that this variant may create or strengthen a splice site, but this prediction has not been confirmed by published transcriptional studies. Algorithms developed to predict the effect of missense changes on protein structure and function (SIFT, PolyPhen-2, Align-GVGD) all suggest that this variant is likely to be tolerated, but these predictions have not been confirmed by published functional studies and their clinical significance is uncertain. This variant has not been reported in the literature in individuals with NF1-related disease. This variant is not present in population databases (ExAC no frequency). This sequence change replaces cysteine with serine at codon 124 of the NF1 protein (p.Cys124Ser). The cysteine residue is weakly conserved and there is a moderate physicochemical difference between cysteine and serine.

NM_001042492.3(NF1):c.370T>A (p.Cys124Ser)

Gene: NF1 (neurofibromin 1; plus strand). Cytogenetic location: 17q11.2.
Variant type: single nucleotide variant.
Coding change: c.370T>A on transcript NM_001042492.3 (MANE Select); coding-DNA position 370, T replaced by A.
Protein change: p.Cys124Ser; replaces cysteine 124 with serine.
Molecular consequence: missense variant.
Genome position (GRCh38, 1-based): chr17:31,163,267, T>A. VCF-style: chr17-31163267-T-A. GRCh37 (hg19) VCF-style: chr17-29490285-T-A.
Other names: c.370T>A, p.Cys124Ser (NM_000267.4, NM_001128147.3); short protein forms C124S.
Identifiers: ClinVar variation 457663 (VCV000457663.5), dbSNP rs1555606074, ClinGen allele CA398981804.
Genomic context (GRCh38, chr17:31,163,267, plus strand): 5'-TTAGATGAAACGATGCTGGTCAAACAGTTGCTGCCAGAAATCTGCCATTTTCTTCACACC[T>A]GTCGTGAAGGAAACCAGCATGCAGCTGAACTTCGGAATTCTGCCTCTGGGGTTTTATTTT-3'
Protein context (NP_001035957.1, residues 114-134): LPEICHFLHT[Cys124Ser]REGNQHAAEL